The following is an entry in ClinVar:

NM_013352.4(DSE):c.1993A>G (p.Ile665Val)

Gene: DSE (dermatan sulfate epimerase; plus strand). Cytogenetic location: 6q22.1.
Variant type: single nucleotide variant.
Coding change: c.1993A>G on transcript NM_013352.4 (MANE Select); coding-DNA position 1993, A replaced by G.
Protein change: p.Ile665Val; replaces isoleucine 665 with valine.
Molecular consequence: missense variant. On other transcripts: 3 prime UTR variant (2), non-coding transcript variant (1).
Genome position (GRCh38, 1-based): chr6:116,436,461, A>G. VCF-style: chr6-116436461-A-G. GRCh37 (hg19) VCF-style: chr6-116757624-A-G.
Other names: c.1993A>G, p.Ile665Val (NM_001080976.3, NM_001322937.2, NM_001322938.2); c.2050A>G, p.Ile684Val (NM_001322939.2); c.1432A>G, p.Ile478Val (NM_001322940.2, NM_001322941.2); c.*858A>G (NM_001322943.2, NM_001322944.2); c.994A>G, p.Ile332Val (NM_001374520.1); c.958A>G, p.Ile320Val (NM_001374521.1); short protein forms I320V, I332V, I478V, I665V, I684V.
Identifiers: ClinVar variation 4847336 (VCV004847336.1).
Genomic context (GRCh38, chr6:116,436,461, plus strand): 5'-AACTATGTGAATGTCACCATGCACCTCCGAAGTCCCATCACCAGGGCAGCTTACCTCTTC[A>G]TAGGGCCATCTATAGATGTTCAGAGCTTCACTGTCCACGGAGACTCTCAGCAACTGGATG-3'
Protein context (NP_037484.1, residues 655-675): SPITRAAYLF[Ile665Val]GPSIDVQSFT

ClinVar aggregate classification (germline): Uncertain significance (1 of 4 stars; one submission).

gnomAD v4.1: 4 of 1,614,038 alleles (0.00025%); highest among the groups gnomAD compares: Admixed American, 0.0017%; no homozygotes.

Submission:

Women's Health and Genetics/Laboratory Corporation of America, LabCorp
Classification: Uncertain significance. Last evaluated: 2026-03-10. Review status: criteria provided, single submitter. Criteria: LabCorp Variant Classification Summary - May 2015. Collection method: clinical testing. Allele origin: germline.
Comment: Variant summary: DSE c.1993A>G (p.Ile665Val) results in a conservative amino acid change in the encoded protein sequence. Algorithms developed to predict the effect of missense changes on protein structure and function are either unavailable or do not agree on the potential impact of this missense change. The variant allele was found at a frequency of 8e-06 in 251200 control chromosomes. The available data on variant occurrences in the general population are insufficient to allow any conclusion about variant significance. To our knowledge, no occurrence of c.1993A>G in individuals affected with DSE-related conditions and no experimental evidence demonstrating its impact on protein function have been reported. No submitters have cited clinical-significance assessments for this variant to ClinVar. Based on the evidence outlined above, the variant was classified as uncertain significance.